The following is an entry in ClinVar:

ClinVar aggregate classification (germline): Uncertain significance. Review status: criteria provided, multiple submitters, no conflicts (2 of 4 stars). 2 submissions from 2 submitters: Uncertain significance (2). Last evaluated 2025-07-29.

Conditions:
Hereditary cancer-predisposing syndrome. Also called: Neoplastic Syndromes, Hereditary; Tumor predisposition; Hereditary neoplastic syndrome; Hereditary Cancer Syndrome. Identifiers: Orphanet 140162, MedGen C0027672, MeSH D009386, MONDO:0015356.

Allele frequency attached by ClinVar (database versions not stated): gnomAD exomes below 0.00001.
gnomAD v4.1: 1 of 1,613,890 alleles (0.000062%); highest among the groups gnomAD compares: Non-Finnish European, 0.000085%; no homozygotes.

Submissions (2):

Ambry Genetics
Classification: Uncertain significance for Hereditary cancer-predisposing syndrome. Last evaluated: 2025-07-29. Review status: criteria provided, single submitter. Criteria: Ambry Variant Classification Scheme 2023. Collection method: clinical testing. Allele origin: germline.
Comment: The p.A264G variant (also known as c.791C>G), located in coding exon 6 of the FH gene, results from a C to G substitution at nucleotide position 791. The alanine at codon 264 is replaced by glycine, an amino acid with similar properties. This amino acid position is not well conserved in available vertebrate species. In addition, the in silico prediction for this alteration is inconclusive. Based on the available evidence, the clinical significance of this variant remains unclear.

Labcorp Genetics (formerly Invitae), Labcorp
Classification: Uncertain significance. Last evaluated: 2024-06-16. Review status: criteria provided, single submitter. Criteria: Invitae Variant Classification Sherloc (09022015). Collection method: clinical testing. Allele origin: germline.
Comment: This sequence change replaces alanine, which is neutral and non-polar, with glycine, which is neutral and non-polar, at codon 264 of the FH protein (p.Ala264Gly). This variant is not present in population databases (gnomAD no frequency). This variant has not been reported in the literature in individuals affected with FH-related conditions. Advanced modeling of protein sequence and biophysical properties (such as structural, functional, and spatial information, amino acid conservation, physicochemical variation, residue mobility, and thermodynamic stability) performed at Invitae indicates that this missense variant is not expected to disrupt FH protein function with a negative predictive value of 95%. In summary, the available evidence is currently insufficient to determine the role of this variant in disease. Therefore, it has been classified as a Variant of Uncertain Significance.

NM_000143.4(FH):c.791C>G (p.Ala264Gly)

Gene: FH (fumarate hydratase; minus strand). Cytogenetic location: 1q43.
Variant type: single nucleotide variant.
Coding change: c.791C>G on transcript NM_000143.4 (MANE Select); coding-DNA position 791, C replaced by G.
Protein change: p.Ala264Gly; replaces alanine 264 with glycine.
Molecular consequence: missense variant.
Genome position (GRCh38, 1-based): chr1:241,506,116, G>C on the plus strand (C>G on the coding strand, the complement: FH is on the minus strand). VCF-style: chr1-241506116-G-C. GRCh37 (hg19) VCF-style: chr1-241669416-G-C.
Other names: short protein forms A264G.
Identifiers: ClinVar variation 3017605 (VCV003017605.4), dbSNP rs2147917713, ClinGen allele CA345439013.
Genomic context (GRCh38, chr1:241,506,116, plus strand): 5'-TTTAAACCTGTACCAACAGCAGTGCCTCCAGCTGCGAGCTCATAGATTCTTGGCATGGCA[G>C]CTTTTATTCTTGTCATTGCATATTTTACTTGTTGAACATAACCACTAAATTCCTGAAAAG-3'
Protein context (NP_000134.2, residues 254-274): QVKYAMTRIK[Ala264Gly]AMPRIYELAA